The following is an entry in ClinVar:

ClinVar aggregate classification (germline): Uncertain significance. Review status: criteria provided, multiple submitters, no conflicts (2 of 4 stars). 4 submissions from 4 submitters: Uncertain significance (4). Last evaluated 2025-01-27.

Allele frequency attached by ClinVar (database versions not stated): gnomAD 0.00001 and 0.00002; gnomAD exomes 0.00001 and 0.00002; TOPMed 0.00003; ExAC 0.00006; 1000 Genomes Project 30x 0.00016; 1000 Genomes Project 0.00020.
gnomAD v4.1: 27 of 1,560,954 alleles (0.0017%); highest among the groups gnomAD compares: South Asian, 0.0046%; no homozygotes.

Submissions (4):

Ambry Genetics
Classification: Uncertain significance. Last evaluated: 2025-01-27. Review status: criteria provided, single submitter. Criteria: Ambry Variant Classification Scheme 2023. Collection method: clinical testing. Allele origin: germline.

Blueprint Genetics
Classification: Uncertain significance. Last evaluated: 2024-11-01. Review status: criteria provided, single submitter. Criteria: ACMG Guidelines, 2015. Collection method: clinical testing. Allele origin: germline.

Labcorp Genetics (formerly Invitae), Labcorp
Classification: Uncertain significance. Last evaluated: 2023-07-24. Review status: criteria provided, single submitter. Criteria: Invitae Variant Classification Sherloc (09022015). Collection method: clinical testing. Allele origin: germline.
Comment: This variant has not been reported in the literature in individuals affected with RAX2-related conditions. ClinVar contains an entry for this variant (Variation ID: 1478358). Algorithms developed to predict the effect of missense changes on protein structure and function output the following: SIFT: "Not Available"; PolyPhen-2: "Benign"; Align-GVGD: "Not Available". The histidine amino acid residue is found in multiple mammalian species, which suggests that this missense change does not adversely affect protein function. In summary, the available evidence is currently insufficient to determine the role of this variant in disease. Therefore, it has been classified as a Variant of Uncertain Significance. The frequency data for this variant in the population databases is considered unreliable, as metrics indicate poor data quality at this position in the gnomAD database. This sequence change replaces arginine, which is basic and polar, with histidine, which is basic and polar, at codon 84 of the RAX2 protein (p.Arg84His).

Revvity Omics, Revvity
Classification: Uncertain significance. Last evaluated: 2019-05-01. Review status: criteria provided, single submitter. Criteria: ACMG Guidelines, 2015. Collection method: clinical testing. Allele origin: germline.

NM_001319074.4(RAX2):c.251G>A (p.Arg84His)

Gene: RAX2 (retina and anterior neural fold homeobox 2; minus strand). Cytogenetic location: 19p13.3.
Variant type: single nucleotide variant.
Coding change: c.251G>A on transcript NM_001319074.4 (MANE Select); coding-DNA position 251, G replaced by A.
Protein change: p.Arg84His; replaces arginine 84 with histidine.
Molecular consequence: missense variant.
Genome position (GRCh38, 1-based): chr19:3,770,925, C>T on the plus strand (G>A on the coding strand, the complement: RAX2 is on the minus strand). VCF-style: chr19-3770925-C-T. GRCh37 (hg19) VCF-style: chr19-3770923-C-T.
Other names: c.251G>A, p.Arg84His (NM_032753.4); c.251G>A (NM_032753.3); short protein forms R84H.
Identifiers: ClinVar variation 1478358 (VCV001478358.11), dbSNP rs573043030, ClinGen allele CA9085060.